The following is an entry in ClinVar:

NM_000742.4(CHRNA2):c.71C>G (p.Ala24Gly)

Gene: CHRNA2 (cholinergic receptor nicotinic alpha 2 subunit; minus strand). Cytogenetic location: 8p21.2.
Variant type: single nucleotide variant.
Coding change: c.71C>G on transcript NM_000742.4 (MANE Select); coding-DNA position 71, C replaced by G.
Protein change: p.Ala24Gly; replaces alanine 24 with glycine.
Molecular consequence: missense variant. On other transcripts: 5 prime UTR variant (4).
Genome position (GRCh38, 1-based): chr8:27,470,988, G>C on the plus strand (C>G on the coding strand, the complement: CHRNA2 is on the minus strand). VCF-style: chr8-27470988-G-C. GRCh37 (hg19) VCF-style: chr8-27328505-G-C.
Other names: c.71C>G, p.Ala24Gly (NM_001282455.2); c.-357C>G (NM_001347705.2); c.-402C>G (NM_001347706.2); c.-343C>G (NM_001347707.2); c.-391C>G (NM_001347708.2); short protein forms A24G.
Identifiers: ClinVar variation 3654242 (VCV003654242.2).

ClinVar aggregate classification (germline): Uncertain significance (1 of 4 stars; one submission).

Conditions:
Familial sleep-related hypermotor epilepsy. Also called: Autosomal Dominant Sleep-Related Hypermotor (Hyperkinetic) Epilepsy. Identifiers: Orphanet 98784, MedGen C3696898, MONDO:0000030.

Submission:

Labcorp Genetics (formerly Invitae), Labcorp
Classification: Uncertain significance. Last evaluated: 2024-05-22. Review status: criteria provided, single submitter. Criteria: Invitae Variant Classification Sherloc (09022015). Collection method: clinical testing. Allele origin: germline.
Comment: This sequence change replaces alanine, which is neutral and non-polar, with glycine, which is neutral and non-polar, at codon 24 of the CHRNA2 protein (p.Ala24Gly). This variant is not present in population databases (gnomAD no frequency). This variant has not been reported in the literature in individuals affected with CHRNA2-related conditions. An algorithm developed to predict the effect of missense changes on protein structure and function (PolyPhen-2) suggests that this variant is likely to be tolerated. In summary, the available evidence is currently insufficient to determine the role of this variant in disease. Therefore, it has been classified as a Variant of Uncertain Significance.